The following is an entry in ClinVar:

ClinVar aggregate classification (germline): Uncertain significance (1 of 4 stars; one submission).

Conditions:
Familial cold autoinflammatory syndrome 3 (FCAS3). Also called: FAMILIAL ATYPICAL COLD URTICARIA; ANTIBODY DEFICIENCY AND IMMUNE DYSREGULATION, PLCG2-ASSOCIATED. Identifiers: Orphanet 300359, MedGen C3280914, MONDO:0013766, OMIM 614468.

Submission:

Labcorp Genetics (formerly Invitae), Labcorp
Classification: Uncertain significance for Familial cold autoinflammatory syndrome 3. Last evaluated: 2025-02-20. Review status: criteria provided, single submitter. Criteria: Invitae Variant Classification Sherloc (09022015). Collection method: clinical testing. Allele origin: germline.
Comment: This sequence change replaces glutamine, which is neutral and polar, with leucine, which is neutral and non-polar, at codon 1202 of the PLCG2 protein (p.Gln1202Leu). This variant is not present in population databases (gnomAD no frequency). This variant has not been reported in the literature in individuals affected with PLCG2-related conditions. An algorithm developed to predict the effect of missense changes on protein structure and function (PolyPhen-2) suggests that this variant is likely to be disruptive. In summary, the available evidence is currently insufficient to determine the role of this variant in disease. Therefore, it has been classified as a Variant of Uncertain Significance.

NM_002661.5(PLCG2):c.3605A>T (p.Gln1202Leu)

Gene: PLCG2 (phospholipase C gamma 2; plus strand). Cytogenetic location: 16q23.3.
Variant type: single nucleotide variant.
Coding change: c.3605A>T on transcript NM_002661.5 (MANE Select); coding-DNA position 3605, A replaced by T.
Protein change: p.Gln1202Leu; replaces glutamine 1202 with leucine.
Molecular consequence: missense variant.
Genome position (GRCh38, 1-based): chr16:81,956,729, A>T. VCF-style: chr16-81956729-A-T. GRCh37 (hg19) VCF-style: chr16-81990334-A-T.
Other names: c.3605A>T, p.Gln1202Leu (NM_001425749.1, NM_001425750.1, NM_001425751.1); short protein forms Q1202L.
Identifiers: ClinVar variation 4713518 (VCV004713518.1).
Genomic context (GRCh38, chr16:81,956,729, plus strand): 5'-GTTGTTCTCTCCCCTGCATCCTCCAGGAGAGCGAAGAGGAACTTTACTCCTCCTGTCGCC[A>T]GCTGAGGAGGCGGCAAGAAGAACTGAACAACCAGCTCTTTCTGTATGACACACACCAGAA-3'
Protein context (NP_002652.2, residues 1192-1212): SEEELYSSCR[Gln1202Leu]LRRRQEELNN